The following is an entry in ClinVar:

ClinVar aggregate classification (germline): Uncertain significance (1 of 4 stars; one submission).

Conditions:
Dilated cardiomyopathy 1G (CMD1G). Identifiers: Orphanet 154, MedGen C1858763, MONDO:0011400, OMIM 604145.
Autosomal recessive limb-girdle muscular dystrophy type 2J (LGMDR10). Also called: Limb-girdle muscular dystrophy, type 2J; MUSCULAR DYSTROPHY, LIMB-GIRDLE, AUTOSOMAL RECESSIVE 10. Identifiers: Orphanet 140922, MedGen C1837342, MONDO:0012127, OMIM 608807.

Allele frequency attached by ClinVar (database versions not stated): gnomAD 0.00001; TOPMed 0.00001.
gnomAD v4.1: 1 of 1,613,768 alleles (0.000062%); highest among the groups gnomAD compares: African/African-American, 0.0013%; no homozygotes.

Submission:

Labcorp Genetics (formerly Invitae), Labcorp
Classification: Uncertain significance for Dilated cardiomyopathy 1G; Autosomal recessive limb-girdle muscular dystrophy type 2J. Last evaluated: 2022-07-26. Review status: criteria provided, single submitter. Criteria: Invitae Variant Classification Sherloc (09022015). Collection method: clinical testing. Allele origin: germline.
Comment: In summary, the available evidence is currently insufficient to determine the role of this variant in disease. Therefore, it has been classified as a Variant of Uncertain Significance. Experimental studies and prediction algorithms are not available or were not evaluated, and the functional significance of this variant is currently unknown. ClinVar contains an entry for this variant (Variation ID: 405172). This variant has not been reported in the literature in individuals affected with TTN-related conditions. This variant is not present in population databases (gnomAD no frequency). This sequence change replaces valine, which is neutral and non-polar, with leucine, which is neutral and non-polar, at codon 33858 of the TTN protein (p.Val33858Leu). This variant is located in the M band of TTN (PMID: 25589632). Variants in this region may be relevant for neuromuscular disorders, but have not been definitively shown to cause cardiomyopathy (PMID: 23975875).

Literature cited by the submitters: PubMed 25589632; PubMed 23975875.

NM_001267550.2(TTN):c.101572G>C (p.Val33858Leu)

Genes: TTN-AS1 (TTN antisense RNA 1; plus strand), TTN (titin; minus strand). Cytogenetic location: 2q31.2.
Variant type: single nucleotide variant.
Coding change: c.101572G>C on transcript NM_001267550.2 (MANE Select); coding-DNA position 101572, G replaced by C.
Protein change: p.Val33858Leu; replaces valine 33858 with leucine.
Molecular consequence: missense variant.
Genome position (GRCh38, 1-based): chr2:178,535,043, C>G on the plus strand (G>C on the coding strand, the complement: TTN is on the minus strand). VCF-style: chr2-178535043-C-G. GRCh37 (hg19) VCF-style: chr2-179399770-C-G.
Other names: c.96649G>C, p.Val32217Leu (NM_001256850.1); c.74377G>C, p.Val24793Leu (NM_003319.4); c.93868G>C, p.Val31290Leu (NM_133378.4); c.74752G>C, p.Val24918Leu (NM_133432.3); c.74953G>C, p.Val24985Leu (NM_133437.4); short protein forms V33858L, V24918L, V31290L, V24985L, V24793L, V32217L.
Identifiers: ClinVar variation 405172 (VCV000405172.6), dbSNP rs1060500584, ClinGen allele CA16610303.